The following is an entry in ClinVar:

NM_032382.5(COG8):c.513T>C (p.Tyr171=)

Gene: COG8 (component of oligomeric golgi complex 8; minus strand). Cytogenetic location: 16q22.1.
Variant type: single nucleotide variant.
Coding change: c.513T>C on transcript NM_032382.5 (MANE Select); coding-DNA position 513, T replaced by C.
Protein change: p.Tyr171=; no amino-acid change (tyrosine 171 retained).
Molecular consequence: synonymous variant.
Genome position (GRCh38, 1-based): chr16:69,336,577, A>G on the plus strand (T>C on the coding strand, the complement: COG8 is on the minus strand). VCF-style: chr16-69336577-A-G. GRCh37 (hg19) VCF-style: chr16-69370480-A-G.
Other names: c.513T>C, p.Tyr171= (NM_001374871.1, NM_001379261.1, NM_001379262.1 and 4 more transcripts).
Identifiers: ClinVar variation 518007 (VCV000518007.1), dbSNP rs773250434, ClinGen allele CA8133942.
Genomic context (GRCh38, chr16:69,336,577, plus strand): 5'-GATGGAAGAGTATTTCCTCTCCAGTCGGCGTACGTAGGCTGCAAGCTCCAGGGCCTCTTC[A>G]TAATAACTGTTCCGGACACAGGTGTCCATGAGCTGAGGAATCTCCAGTATTTCCAAAATT-3'
Protein context (NP_115758.3, residues 161-181): LMDTCVRNSY[Tyr171=]EEALELAAYV

ClinVar aggregate classification (germline): Likely benign (1 of 4 stars; one submission).

Allele frequency attached by ClinVar (database versions not stated): gnomAD exomes 0.00001; TOPMed 0.00001; ExAC 0.00001.

Submission:

GeneDx
Classification: Likely benign. Last evaluated: 2017-06-22. Review status: criteria provided, single submitter. Criteria: GeneDx Variant Classification (06012015). Collection method: clinical testing. Allele origin: germline. Affected: yes.
Comment: This variant is considered likely benign or benign based on one or more of the following criteria: it is a conservative change, it occurs at a poorly conserved position in the protein, it is predicted to be benign by multiple in silico algorithms, and/or has population frequency not consistent with disease.